The following is an entry in ClinVar:

ClinVar aggregate classification (germline): Likely pathogenic (1 of 4 stars; one submission).

Submission:

Labcorp Genetics (formerly Invitae), Labcorp
Classification: Likely pathogenic. Last evaluated: 2025-07-30. Review status: criteria provided, single submitter. Criteria: Invitae Variant Classification Sherloc (09022015). Collection method: clinical testing. Allele origin: germline.
Comment: This sequence change replaces cysteine, which is neutral and slightly polar, with arginine, which is basic and polar, at codon 91 of the TYR protein (p.Cys91Arg). This variant is not present in population databases (gnomAD no frequency). This missense change has been observed in individual(s) with clinical features of ocular albinism (internal data). ClinVar contains an entry for this variant (Variation ID: 1996044). Invitae Evidence Modeling of protein sequence and biophysical properties (such as structural, functional, and spatial information, amino acid conservation, physicochemical variation, residue mobility, and thermodynamic stability) indicates that this missense variant is expected to disrupt TYR protein function with a positive predictive value of 95%. This variant disrupts the p.Cys91 amino acid residue in TYR. Other variant(s) that disrupt this residue have been determined to be pathogenic (PMID: 22981120, 30472657, 30996339). This suggests that this residue is clinically significant, and that variants that disrupt this residue are likely to be disease-causing. In summary, the currently available evidence indicates that the variant is pathogenic, but additional data are needed to prove that conclusively. Therefore, this variant has been classified as Likely Pathogenic.

Literature cited by the submitters: PubMed 22981120; PubMed 30472657; PubMed 30996339.

NM_000372.5(TYR):c.271T>C (p.Cys91Arg)

Gene: TYR (tyrosinase; plus strand). Cytogenetic location: 11q14.3.
Variant type: single nucleotide variant.
Coding change: c.271T>C on transcript NM_000372.5 (MANE Select); coding-DNA position 271, T replaced by C.
Protein change: p.Cys91Arg; replaces cysteine 91 with arginine.
Molecular consequence: missense variant.
Genome position (GRCh38, 1-based): chr11:89,178,224, T>C. VCF-style: chr11-89178224-T-C. GRCh37 (hg19) VCF-style: chr11-88911392-T-C.
Other names: short protein forms C91R.
Identifiers: ClinVar variation 1996044 (VCV001996044.4), dbSNP rs2496528576, ClinGen allele CA382034033.
Genomic context (GRCh38, chr11:89,178,224, plus strand): 5'-TTCACAGGGGTGGATGACCGGGAGTCGTGGCCTTCCGTCTTTTATAATAGGACCTGCCAG[T>C]GCTCTGGCAACTTCATGGGATTCAACTGTGGAAACTGCAAGTTTGGCTTTTGGGGACCAA-3'
Protein context (NP_000363.1, residues 81-101): PSVFYNRTCQ[Cys91Arg]SGNFMGFNCG